The following is an entry in ClinVar:

NM_020964.3(EPG5):c.65A>C (p.Glu22Ala)

Gene: EPG5 (ectopic P-granules 5 autophagy tethering factor; minus strand). Cytogenetic location: 18q21.1.
Variant type: single nucleotide variant.
Coding change: c.65A>C on transcript NM_020964.3 (MANE Select); coding-DNA position 65, A replaced by C.
Protein change: p.Glu22Ala; replaces glutamic acid 22 with alanine.
Molecular consequence: missense variant.
Genome position (GRCh38, 1-based): chr18:45,955,337, T>G on the plus strand (A>C on the coding strand, the complement: EPG5 is on the minus strand). VCF-style: chr18-45955337-T-G. GRCh37 (hg19) VCF-style: chr18-43535303-T-G.
Other names: short protein forms E22A.
Identifiers: ClinVar variation 1494311 (VCV001494311.6), dbSNP rs775124308, ClinGen allele CA8950012.
Genomic context (GRCh38, chr18:45,955,337, plus strand): 5'-GTTTTTGGAAGGGAGACTTCACTGGACTCTTCCCTCTGAGGAGTTTCATACTTCTTCTTT[T>G]CCTAAAAACAACATACATAATGTGAAATAATTTATCACAATAATTAATGCTTTCAGCAGG-3'
Protein context (NP_066015.2, residues 12-32): KAKASRTKTK[Glu22Ala]KKKYETPQRE

ClinVar aggregate classification (germline): Uncertain significance (1 of 4 stars; one submission).

Conditions:
Vici syndrome (VICIS). Identifiers: Orphanet 1493, MedGen C1855772, MONDO:0009452, OMIM 242840.

Allele frequency attached by ClinVar (database versions not stated): gnomAD exomes 0.00001 and 0.00002; ExAC 0.00003; gnomAD 0.00012 and 0.00014; TOPMed 0.00012.

Submission:

Labcorp Genetics (formerly Invitae), Labcorp
Classification: Uncertain significance for Vici syndrome. Last evaluated: 2022-08-09. Review status: criteria provided, single submitter. Criteria: Invitae Variant Classification Sherloc (09022015). Collection method: clinical testing. Allele origin: germline.
Comment: This sequence change replaces glutamic acid, which is acidic and polar, with alanine, which is neutral and non-polar, at codon 22 of the EPG5 protein (p.Glu22Ala). This variant is present in population databases (rs775124308, gnomAD 0.04%). This variant has not been reported in the literature in individuals affected with EPG5-related conditions. ClinVar contains an entry for this variant (Variation ID: 1494311). Algorithms developed to predict the effect of missense changes on protein structure and function are either unavailable or do not agree on the potential impact of this missense change (SIFT: "Tolerated"; PolyPhen-2: "Probably Damaging"; Align-GVGD: "Class C0"). In summary, the available evidence is currently insufficient to determine the role of this variant in disease. Therefore, it has been classified as a Variant of Uncertain Significance.